The following is an entry in ClinVar:

ClinVar aggregate classification (germline): Pathogenic (1 of 4 stars; one submission).

Conditions:
Exostoses, multiple, type 2 (EXT2). Also called: Hereditary Multiple Osteochondromatosis, Type II; EXOSTOSES, MULTIPLE, TYPE II. Identifiers: Orphanet 321, MedGen C1851413, MONDO:0007586, OMIM 133701.

Submission:

Labcorp Genetics (formerly Invitae), Labcorp
Classification: Pathogenic for Exostoses, multiple, type 2. Last evaluated: 2025-09-07. Review status: criteria provided, single submitter. Criteria: Invitae Variant Classification Sherloc (09022015). Collection method: clinical testing. Allele origin: germline.
Comment: This sequence change creates a premature translational stop signal (p.Phe306Leufs*26) in the EXT2 gene. It is expected to result in an absent or disrupted protein product. Loss-of-function variants in EXT2 are known to be pathogenic (PMID: 10679937, 19810120). This variant is not present in population databases (gnomAD no frequency). This variant has not been reported in the literature in individuals affected with EXT2-related conditions. For these reasons, this variant has been classified as Pathogenic.

Literature cited by the submitters: PubMed 10679937; PubMed 19810120.

NM_207122.2(EXT2):c.918del (p.Phe306fs)

Gene: EXT2 (exostosin glycosyltransferase 2; plus strand). Cytogenetic location: 11p11.2.
Variant type: Deletion.
Coding change: c.918del on transcript NM_207122.2 (MANE Select); coding-DNA position 918, one base deleted (C; older notation c.918delC).
Protein change: p.Phe306fs; shifts the reading frame from phenylalanine 306.
Molecular consequence: frameshift variant.
Genome position (GRCh38, 1-based): chr11:44,124,963, C deleted. VCF-style (leftmost placement, unchanged base first): chr11-44124962-TC-T. GRCh37 (hg19) VCF-style: chr11-44146512-TC-T.
Other names: c.1017del, p.Phe339fs (NM_000401.3); c.918del, p.Phe306fs (NM_001178083.3, NM_001389628.1, NM_001389630.1); short protein forms F306fs, F339fs.
Identifiers: ClinVar variation 4726774 (VCV004726774.1).